The following is an entry in ClinVar:

NM_002468.5(MYD88):c.165C>A (p.Asp55Glu)

Gene: MYD88 (MYD88 innate immune signal transduction adaptor; plus strand). Cytogenetic location: 3p22.2.
Variant type: single nucleotide variant.
Coding change: c.165C>A on transcript NM_002468.5 (MANE Select); coding-DNA position 165, C replaced by A.
Protein change: p.Asp55Glu; replaces aspartic acid 55 with glutamic acid.
Molecular consequence: missense variant.
Genome position (GRCh38, 1-based): chr3:38,138,865, C>A. VCF-style: chr3-38138865-C-A. GRCh37 (hg19) VCF-style: chr3-38180356-C-A.
Other names: c.165C>A, p.Asp55Glu (NM_001172566.2, NM_001172567.2, NM_001172568.2 and 4 more transcripts); short protein forms D55E.
Identifiers: ClinVar variation 1520407 (VCV001520407.7), dbSNP rs1575273881, ClinGen allele CA352128694.

ClinVar aggregate classification (germline): Uncertain significance. Review status: criteria provided, multiple submitters, no conflicts (2 of 4 stars). 2 submissions from 2 submitters: Uncertain significance (2). Last evaluated 2021-10-08.

Conditions:
Pyogenic bacterial infections due to MyD88 deficiency (IMD68). Also called: PYOGENIC BACTERIAL INFECTIONS, RECURRENT, DUE TO MYD88 DEFICIENCY. Identifiers: Orphanet 183713, MedGen C2677092, MONDO:0012839, OMIM 612260.

Submissions (2):

Labcorp Genetics (formerly Invitae), Labcorp
Classification: Uncertain significance for Pyogenic bacterial infections due to MyD88 deficiency. Last evaluated: 2021-10-08. Review status: criteria provided, single submitter. Criteria: Invitae Variant Classification Sherloc (09022015). Collection method: clinical testing. Allele origin: germline.
Comment: Algorithms developed to predict the effect of missense changes on protein structure and function are either unavailable or do not agree on the potential impact of this missense change (SIFT: "Deleterious"; PolyPhen-2: "Benign"; Align-GVGD: "Class C0"). In summary, the available evidence is currently insufficient to determine the role of this variant in disease. Therefore, it has been classified as a Variant of Uncertain Significance. This variant has not been reported in the literature in individuals affected with MYD88-related conditions. This variant is not present in population databases (ExAC no frequency). This sequence change replaces aspartic acid with glutamic acid at codon 68 of the MYD88 protein (p.Asp68Glu). The aspartic acid residue is weakly conserved and there is a small physicochemical difference between aspartic acid and glutamic acid.

Breakthrough Genomics
Classification: Uncertain significance. Review status: criteria provided, single submitter. Criteria: ACMG Guidelines, 2015. Collection method: not provided. Allele origin: germline. Inheritance: Autosomal recessive inheritance. Affected: yes.